The following continues an entry in ClinVar:

NM_000113.3(TOR1A):c.749-11C>A

Gene: TOR1A. ClinVar aggregate classification (germline): Benign/Likely benign. Benign (5); Likely benign (1).

Submissions 69 to 82 of 82:

Dr. Peter K. Rogan Lab, Western University
No classification provided (evidence only). Condition: Uterine carcinosarcoma. Review status: no classification provided. Collection method: in vitro. Allele origin: not applicable. Functional consequence: retained intron. Not counted in ClinVar's aggregate classification.

Dr. Peter K. Rogan Lab, Western University
No classification provided (evidence only). Condition: Uterine carcinosarcoma. Review status: no classification provided. Collection method: in vitro. Allele origin: not applicable. Functional consequence: retained intron. Not counted in ClinVar's aggregate classification.

Dr. Peter K. Rogan Lab, Western University
No classification provided (evidence only). Condition: Uterine carcinosarcoma. Review status: no classification provided. Collection method: in vitro. Allele origin: not applicable. Functional consequence: retained intron. Not counted in ClinVar's aggregate classification.

Dr. Peter K. Rogan Lab, Western University
No classification provided (evidence only). Condition: Malignant tumor of esophagus. Review status: no classification provided. Collection method: in vitro. Allele origin: not applicable. Functional consequence: retained intron. Not counted in ClinVar's aggregate classification.

Dr. Peter K. Rogan Lab, Western University
No classification provided (evidence only). Condition: Chronic lymphocytic leukemia/small lymphocytic lymphoma. Review status: no classification provided. Collection method: in vitro. Allele origin: not applicable. Functional consequence: retained intron. Not counted in ClinVar's aggregate classification.

Dr. Peter K. Rogan Lab, Western University
No classification provided (evidence only). Condition: Lymphoma. Review status: no classification provided. Collection method: in vitro. Allele origin: not applicable. Functional consequence: retained intron. Not counted in ClinVar's aggregate classification.

Dr. Peter K. Rogan Lab, Western University
No classification provided (evidence only). Condition: Lymphoma. Review status: no classification provided. Collection method: in vitro. Allele origin: not applicable. Functional consequence: retained intron. Not counted in ClinVar's aggregate classification.

Dr. Peter K. Rogan Lab, Western University
No classification provided (evidence only). Condition: Lymphoma. Review status: no classification provided. Collection method: in vitro. Allele origin: not applicable. Functional consequence: retained intron. Not counted in ClinVar's aggregate classification.

Dr. Peter K. Rogan Lab, Western University
No classification provided (evidence only). Condition: Lymphoma. Review status: no classification provided. Collection method: in vitro. Allele origin: not applicable. Functional consequence: retained intron. Not counted in ClinVar's aggregate classification.

Dr. Peter K. Rogan Lab, Western University
No classification provided (evidence only). Condition: Lymphoma. Review status: no classification provided. Collection method: in vitro. Allele origin: not applicable. Functional consequence: retained intron. Not counted in ClinVar's aggregate classification.

Dr. Peter K. Rogan Lab, Western University
No classification provided (evidence only). Condition: Ovarian cancer. Review status: no classification provided. Collection method: in vitro. Allele origin: not applicable. Functional consequence: retained intron. Not counted in ClinVar's aggregate classification.

Dr. Peter K. Rogan Lab, Western University
No classification provided (evidence only). Condition: Ovarian cancer. Review status: no classification provided. Collection method: in vitro. Allele origin: not applicable. Functional consequence: retained intron. Not counted in ClinVar's aggregate classification.

Genome Diagnostics Laboratory, University Medical Center Utrecht
Classification: Benign. Review status: no assertion criteria provided. Collection method: clinical testing. Allele origin: germline. Affected: yes. Study: VKGL Data-share Consensus. Not counted in ClinVar's aggregate classification.

Joint Genome Diagnostic Labs from Nijmegen and Maastricht, Radboudumc and MUMC+
Classification: Benign. Review status: no assertion criteria provided. Collection method: clinical testing. Allele origin: germline. Affected: yes. Study: VKGL Data-share Consensus. Not counted in ClinVar's aggregate classification.